The following is an entry in ClinVar:

ClinVar aggregate classification (germline): Uncertain significance. Review status: criteria provided, multiple submitters, no conflicts (2 of 4 stars). 2 submissions from 2 submitters: Uncertain significance (2). Last evaluated 2025-05-19.

Conditions:
Melanoma, cutaneous malignant, susceptibility to, 5. Also called: Cutaneous malignant melanoma 5. Identifiers: Orphanet 618, MedGen C2751295, MONDO:0013133, OMIM 613099.

Submissions (2):

Labcorp Genetics (formerly Invitae), Labcorp
Classification: Uncertain significance for Melanoma, cutaneous malignant, susceptibility to, 5. Last evaluated: 2025-05-19. Review status: criteria provided, single submitter. Criteria: Invitae Variant Classification Sherloc (09022015). Collection method: clinical testing. Allele origin: germline.
Comment: This sequence change replaces proline, which is neutral and non-polar, with arginine, which is basic and polar, at codon 72 of the MC1R protein (p.Pro72Arg). This variant is present in population databases (no rsID available, gnomAD 0.01%). This variant has not been reported in the literature in individuals affected with MC1R-related conditions. Invitae Evidence Modeling of protein sequence and biophysical properties (such as structural, functional, and spatial information, amino acid conservation, physicochemical variation, residue mobility, and thermodynamic stability) indicates that this missense variant is not expected to disrupt MC1R protein function with a negative predictive value of 80%. In summary, the available evidence is currently insufficient to determine the role of this variant in disease. Therefore, it has been classified as a Variant of Uncertain Significance.

Blueprint Genetics
Classification: Uncertain significance. Last evaluated: 2022-01-28. Review status: criteria provided, single submitter. Criteria: ACMG Guidelines, 2015. Collection method: clinical testing. Allele origin: germline.

NM_002386.4(MC1R):c.215C>G (p.Pro72Arg)

Gene: MC1R (melanocortin 1 receptor; plus strand). Cytogenetic location: 16q24.3.
Variant type: single nucleotide variant.
Coding change: c.215C>G on transcript NM_002386.4 (MANE Select); coding-DNA position 215, C replaced by G.
Protein change: p.Pro72Arg; replaces proline 72 with arginine.
Molecular consequence: missense variant.
Genome position (GRCh38, 1-based): chr16:89,919,473, C>G. VCF-style: chr16-89919473-C-G. GRCh37 (hg19) VCF-style: chr16-89985881-C-G.
Other names: short protein forms P72R.
Identifiers: ClinVar variation 4705829 (VCV004705829.2).
Genomic context (GRCh38, chr16:89,919,473, plus strand): 5'-GCTTGGTGGAGAACGCGCTGGTGGTGGCCACCATCGCCAAGAACCGGAACCTGCACTCAC[C>G]CATGTACTGCTTCATCTGCTGCCTGGCCTTGTCGGACCTGCTGGTGAGCGGGAGCAACGT-3'
Protein context (NP_002377.4, residues 62-82): TIAKNRNLHS[Pro72Arg]MYCFICCLAL